The following is an entry in ClinVar:

NM_000113.3(TOR1A):c.863G>A (p.Arg288Gln)

Gene: TOR1A (torsin family 1 member A; minus strand). Cytogenetic location: 9q34.11.
Variant type: single nucleotide variant.
Coding change: c.863G>A on transcript NM_000113.3 (MANE Select); coding-DNA position 863, G replaced by A.
Protein change: p.Arg288Gln; replaces arginine 288 with glutamine.
Molecular consequence: missense variant.
Genome position (GRCh38, 1-based): chr9:129,814,108, C>T on the plus strand (G>A on the coding strand, the complement: TOR1A is on the minus strand). VCF-style: chr9-129814108-C-T. GRCh37 (hg19) VCF-style: chr9-132576387-C-T.
Other names: short protein forms R288Q.
Identifiers: ClinVar variation 162491 (VCV000162491.12), dbSNP rs727502811, ClinGen allele CA273063.

ClinVar aggregate classification (germline): Conflicting classifications of pathogenicity. Review status: criteria provided, conflicting classifications (1 of 4 stars). 8 submissions from 8 submitters: Pathogenic (1); Likely pathogenic (3); Uncertain significance (2). 2 of the submissions do not count toward it. Last evaluated 2025-03-18.

Conditions:
TOR1A-related disorder. Also called: TOR1A-related condition; TOR1A-related disorders.
Arthrogryposis multiplex congenita 5. Identifiers: MedGen C5436453, MONDO:0100218, OMIM 618947.
Dystonic disorder. Also called: Dystonia. Identifiers: MedGen C0013421, MONDO:0003441, HP:0001332.
Early-onset generalized limb-onset dystonia. Also called: Dystonia-1, torsion; DYSTONIA 1, TORSION, AUTOSOMAL DOMINANT; Oppenheim's dystonia; DYSTONIA MUSCULORUM DEFORMANS 1; Early onset torsion dystonia; DYT1 Early-Onset Primary Dystonia. Identifiers: Orphanet 256, MedGen C1851945, MONDO:0007492, OMIM 128100.

Allele frequency attached by ClinVar (database versions not stated): TOPMed 0.00003; gnomAD 0.00006 and 0.00005; ExAC 0.00013; gnomAD exomes 0.00009.
gnomAD v4.1: 154 of 1,614,050 alleles (0.0095%); highest among the groups gnomAD compares: Non-Finnish European, 0.01%; no homozygotes.

Submissions (8):

First Genomix Gene Laboratory, Genetic Diagnostics Department
Classification: Likely pathogenic for Arthrogryposis multiplex congenita 5. Last evaluated: 2025-03-18. Review status: criteria provided, single submitter. Criteria: ACMG Guidelines, 2015. Collection method: clinical testing. Allele origin: germline. Inheritance: Autosomal recessive inheritance. Affected: no. Observed: 1 variant allele.

Women's Health and Genetics/Laboratory Corporation of America, LabCorp
Classification: Likely pathogenic for TOR1A Related Disorders. Last evaluated: 2024-05-09. Review status: criteria provided, single submitter. Criteria: LabCorp Variant Classification Summary - May 2015. Collection method: clinical testing. Allele origin: germline.
Comment: Variant summary: TOR1A c.863G>A (p.Arg288Gln) results in a conservative amino acid change located in the Torsin-1A, C-terminal domain (IPR049337) of the encoded protein sequence. Four of five in-silico tools predict a benign effect of the variant on protein function. The variant allele was found at a frequency of 9.1e-05 in 251492 control chromosomes. c.863G>A has been reported in the literature in heterozygous individuals affected with severe infantile-onset dystonia or generalized adolescent-onset dystonia, with both probands reporting an asymptomatic heterozygous parent (e.g. Zirn_2008, Iqbal_2019). One paper notes a broad phenotypic spectrum for TOR1A mutations in general which includes nonpenetrance (Iqbal_2019). These data indicate that the variant may be associated with disease. Several publications reports experimental evidence evaluating an impact on protein function, showing the variant results in enlargement of the perinuclear space, increased dimerization, and altered protein transport in vitro, similar to mophological and functional effects shown in at least one known pathogenic variant (e.g. Hettich_2014, Xu_2020, Zirn_2008). The following publications have been ascertained in the context of this evaluation (PMID: 24930953, 31321303, 32243914, 18477710). ClinVar contains an entry for this variant (Variation ID: 162491). Based on the evidence outlined above, the variant was classified as likely pathogenic.

Blueprint Genetics
Classification: Uncertain significance. Last evaluated: 2024-02-07. Review status: criteria provided, single submitter. Criteria: ACMG Guidelines, 2015. Collection method: clinical testing. Allele origin: germline.

GeneDx
Classification: Uncertain significance. Last evaluated: 2023-10-10. Review status: criteria provided, single submitter. Criteria: GeneDx Variant Classification Process June 2021. Collection method: clinical testing. Allele origin: germline. Affected: yes.
Comment: Identified in unrelated patients with isolated dystonia, inherited from unaffected parents, in published literature (PMID: 31321303, 24931141, 18477710); In silico analysis supports that this missense variant does not alter protein structure/function; This variant is associated with the following publications: (PMID: 32243914, 27911022, 26940431, 19284587, 24931141, 24930953, 31321303, 20627944, 22989765, 26803745, 25799505, 21995941, 19955557, 27490483, 31892495, 25451552, 23967309, 22391119, 21931745, 19619587, 18477710, 26297380, 24653660)

Labcorp Genetics (formerly Invitae), Labcorp
Classification: Likely pathogenic for Dystonic disorder. Last evaluated: 2023-05-11. Review status: criteria provided, single submitter. Criteria: Invitae Variant Classification Sherloc (09022015). Collection method: clinical testing. Allele origin: germline.
Comment: In summary, the currently available evidence indicates that the variant is pathogenic, but additional data are needed to prove that conclusively. Therefore, this variant has been classified as Likely Pathogenic. This sequence change replaces arginine, which is basic and polar, with glutamine, which is neutral and polar, at codon 288 of the TOR1A protein (p.Arg288Gln). This variant is present in population databases (rs727502811, gnomAD 0.03%). This missense change has been observed in individuals with autosomal dominant dystonia (PMID: 18477710, 31321303). ClinVar contains an entry for this variant (Variation ID: 162491). Advanced modeling of protein sequence and biophysical properties (such as structural, functional, and spatial information, amino acid conservation, physicochemical variation, residue mobility, and thermodynamic stability) performed at Invitae indicates that this missense variant is not expected to disrupt TOR1A protein function. Experimental studies have shown that this missense change affects TOR1A function (PMID: 18477710, 24930953, 32243914).

Clinical Genetics and Genomics, Karolinska University Hospital
Classification: Pathogenic. Last evaluated: 2015-10-21. Review status: criteria provided, single submitter. Criteria: ACMG Guidelines, 2015. Collection method: clinical testing. Allele origin: germline. Affected: yes. Observed: 3 variant alleles.

OMIM
Classification: Pathogenic for DYSTONIA 1, TORSION, AUTOSOMAL DOMINANT. Last evaluated: 2014-09-01. Review status: no assertion criteria provided. Collection method: literature only. Allele origin: germline. Not counted in ClinVar's aggregate classification.

GeneReviews
No classification provided. Condition: Early-onset generalized limb-onset dystonia. Review status: no classification provided. Collection method: literature only. Allele origin: germline. Affected: yes. Not counted in ClinVar's aggregate classification.

Literature cited by the submitters: PubMed 24930953 (cited by 3 submitters); PubMed 31321303 (cited by Women's Health and Genetics/Laboratory Corporation of America, LabCorp and Labcorp Genetics (formerly Invitae), Labcorp); PubMed 32243914 (cited by Women's Health and Genetics/Laboratory Corporation of America, LabCorp and Labcorp Genetics (formerly Invitae), Labcorp); PubMed 18477710 (cited by 3 submitters); NCBI Bookshelf NBK1492 (cited by GeneReviews).